The following is an entry in ClinVar:

NM_004667.6(HERC2):c.3974C>T (p.Pro1325Leu)

Gene: HERC2 (HECT and RLD domain containing E3 ubiquitin protein ligase 2; minus strand). Cytogenetic location: 15q13.1.
Variant type: single nucleotide variant.
Coding change: c.3974C>T on transcript NM_004667.6 (MANE Select); coding-DNA position 3974, C replaced by T.
Protein change: p.Pro1325Leu; replaces proline 1325 with leucine.
Molecular consequence: missense variant.
Genome position (GRCh38, 1-based): chr15:28,236,992, G>A on the plus strand (C>T on the coding strand, the complement: HERC2 is on the minus strand). VCF-style: chr15-28236992-G-A. GRCh37 (hg19) VCF-style: chr15-28482138-G-A.
Other names: short protein forms P1325L.
Identifiers: ClinVar variation 4688706 (VCV004688706.1).

ClinVar aggregate classification (germline): Uncertain significance (1 of 4 stars; one submission).

gnomAD v4.1: 35 of 1,611,748 alleles (0.0022%); highest among the groups gnomAD compares: African/African-American, 0.0067%; no homozygotes.

Submission:

Women's Health and Genetics/Laboratory Corporation of America, LabCorp
Classification: Uncertain significance. Last evaluated: 2025-12-01. Review status: criteria provided, single submitter. Criteria: LabCorp Variant Classification Summary - May 2015. Collection method: clinical testing. Allele origin: germline.
Comment: Variant summary: HERC2 c.3974C>T (p.Pro1325Leu) results in a non-conservative amino acid change in the encoded protein sequence. Algorithms developed to predict the effect of missense changes on protein structure and function are either unavailable or do not agree on the potential impact of this missense change. The variant allele was found at a frequency of 2.8e-05 in 251128 control chromosomes. The available data on variant occurrences in the general population are insufficient to allow any conclusion about variant significance. To our knowledge, no occurrence of c.3974C>T in individuals affected with HERC2-related conditions and no experimental evidence demonstrating its impact on protein function have been reported. No submitters have cited clinical-significance assessments for this variant to ClinVar. Based on the evidence outlined above, the variant was classified as uncertain significance.